The following is an entry in ClinVar:

ClinVar aggregate classification (germline): Benign/Likely benign. Review status: criteria provided, multiple submitters, no conflicts (2 of 4 stars). 7 submissions from 7 submitters: Benign (4); Likely benign (3). Last evaluated 2026-09-01.

Conditions:
HUWE1-related disorder. Also called: HUWE1-related condition.
Inborn genetic diseases. Identifiers: MedGen C0950123, MeSH D030342.

Allele frequency attached by ClinVar (database versions not stated): gnomAD exomes 0.00012 and 0.00017; ExAC 0.00026; TOPMed 0.00037; gnomAD 0.00042 and 0.00043; ESP Exome Variant Server 0.00047.
gnomAD v4.1: 178 of 1,207,028 alleles (0.015%); highest among the groups gnomAD compares: Middle Eastern, 0.16%; no homozygotes.

Submissions (7):

CeGaT Center for Human Genetics Tuebingen
Classification: Likely benign. Last evaluated: 2026-09-01. Review status: criteria provided, single submitter. Criteria: CeGaT Center For Human Genetics Tuebingen Variant Classification Criteria Version 2. Collection method: clinical testing. Allele origin: germline. Affected: yes. Observed: 1 variant allele.
Comment: HUWE1: BP4, BP7, BS2

Labcorp Genetics (formerly Invitae), Labcorp
Classification: Benign. Last evaluated: 2025-12-16. Review status: criteria provided, single submitter. Criteria: Invitae Variant Classification Sherloc (09022015). Collection method: clinical testing. Allele origin: germline.

PreventionGenetics, part of Exact Sciences
Classification: Likely benign for HUWE1-related condition. Last evaluated: 2025-03-26. Review status: criteria provided, single submitter. Criteria: ACMG Guidelines, 2015. Collection method: clinical testing. Allele origin: germline.
Comment: This variant is classified as likely benign based on ACMG/AMP sequence variant interpretation guidelines (Richards et al. 2015 PMID: 25741868, with internal and published modifications).

Blueprint Genetics
Classification: Likely benign. Last evaluated: 2023-08-23. Review status: criteria provided, single submitter. Criteria: ACMG Guidelines, 2015. Collection method: clinical testing. Allele origin: germline.

GeneDx
Classification: Benign. Last evaluated: 2021-01-22. Review status: criteria provided, single submitter. Criteria: GeneDx Variant Classification Process June 2021. Collection method: clinical testing. Allele origin: germline. Affected: yes.

Genetic Services Laboratory, University of Chicago
Classification: Benign. Last evaluated: 2017-07-06. Review status: criteria provided, single submitter. Criteria: ACMG Guidelines, 2015. Collection method: clinical testing. Allele origin: germline. Affected: no.

Ambry Genetics
Classification: Benign for Inborn genetic diseases. Last evaluated: 2017-06-21. Review status: criteria provided, single submitter. Criteria: Ambry Variant Classification Scheme 2023. Collection method: clinical testing. Allele origin: germline.

NM_031407.7(HUWE1):c.2784A>G (p.Gln928=)

Gene: HUWE1 (HECT, UBA and WWE domain containing E3 ubiquitin protein ligase 1; minus strand). Cytogenetic location: Xp11.22.
Variant type: single nucleotide variant.
Coding change: c.2784A>G on transcript NM_031407.7 (MANE Select); coding-DNA position 2784, A replaced by G.
Protein change: p.Gln928=; no amino-acid change (glutamine 928 retained).
Molecular consequence: synonymous variant.
Genome position (GRCh38, 1-based): chrX:53,603,460, T>C on the plus strand (A>G on the coding strand, the complement: HUWE1 is on the minus strand). VCF-style: chrX-53603460-T-C. GRCh37 (hg19) VCF-style: chrX-53630421-T-C.
Identifiers: ClinVar variation 735925 (VCV000735925.18), dbSNP rs148400203, ClinGen allele CA10422678.
Genomic context (GRCh38, chrX:53,603,460, plus strand): 5'-GCTTTCCCACACCAGGGAACAGTATAACTGGCTCAGCTTGCTCAAAACACTCAGACCCAA[T>C]TGAGAGCCCCACTGGTTTACGGAGATGGAACGAATTTCACTCTGCAATCATAACAAGAAT-3'
Protein context (NP_113584.3, residues 918-938): RSISVNQWGS[Gln928=]LGLSVLSKLS